The following is an entry in ClinVar:

NM_130839.5(UBE3A):c.2549C>G (p.Ser850Ter)

Genes: SNHG14 (small nucleolar RNA host gene 14; plus strand), UBE3A (ubiquitin protein ligase E3A; minus strand). Cytogenetic location: 15q11.2.
Variant type: single nucleotide variant.
Coding change: c.2549C>G on transcript NM_130839.5 (MANE Select); coding-DNA position 2549, C replaced by G.
Protein change: p.Ser850Ter; replaces serine 850 with a stop codon.
Molecular consequence: nonsense. On other transcripts: non-coding transcript variant (1).
Genome position (GRCh38, 1-based): chr15:25,339,207, G>C on the plus strand (C>G on the coding strand, the complement: UBE3A is on the minus strand). VCF-style: chr15-25339207-G-C. GRCh37 (hg19) VCF-style: chr15-25584354-G-C.
Other names: c.2558C>G, p.Ser853Ter (NM_000462.5); c.2549C>G, p.Ser850Ter (NM_001354505.1, NM_001354538.2); c.2489C>G, p.Ser830Ter (NM_001354506.2, NM_001354507.2, NM_001354508.2 and 14 more transcripts); c.2393C>G, p.Ser798Ter (NM_001354545.2); c.2372C>G, p.Ser791Ter (NM_001354546.2); c.2333C>G, p.Ser778Ter (NM_001354547.2, NM_001354548.2); c.2324C>G, p.Ser775Ter (NM_001354549.2); c.1298C>G, p.Ser433Ter (NM_001354550.2); and 1 more; short protein forms S830*, S778*, S413*, S775*, S791*, S433*, S850*, S798*.
Identifiers: ClinVar variation 155981 (VCV000155981.9), dbSNP rs587781228, ClinGen allele CA333360.

ClinVar aggregate classification (germline): Pathogenic. Review status: criteria provided, single submitter (1 of 4 stars). 2 submissions from 2 submitters: Pathogenic (1). 1 of the submissions does not count toward it. Last evaluated 2018-10-06.

Conditions:
Angelman syndrome (AS). Also called: HAPPY PUPPET SYNDROME. Identifiers: Orphanet 72, MedGen C0162635, MONDO:0007113, OMIM 105830. Disease mechanism: loss of function. Inheritance: AS is caused by disruption of maternally imprinted UBE3A located within the 15q11.2-q13 Angelman syndrome/Prader-Willi syndrome (AS/PWS) region., imprinting disorder.

Submissions (2):

Labcorp Genetics (formerly Invitae), Labcorp
Classification: Pathogenic for Angelman syndrome. Last evaluated: 2018-10-06. Review status: criteria provided, single submitter. Criteria: Invitae Variant Classification Sherloc (09022015). Collection method: clinical testing. Allele origin: germline.
Comment: This variant disrupts the C-terminus of the UBE3A protein. Other variants that disrupt this region (p.Lys836Argfs*4, p.Glu837Argfs*4, p.Lys836Asnfs*7, p.Leu835_Lys836del) have been observed in affected individuals (PMID: 9887341, 11748306, 26993267, 24796722). This suggests that this may be a clinically significant region of the protein. For these reasons, this variant has been classified as Pathogenic. This variant has been observed in individuals affected with Angelman syndrome (PMID: 25212744, Invitae). ClinVar contains an entry for this variant (Variation ID: 155981). This variant is not present in population databases (ExAC no frequency). This sequence change results in a premature translational stop signal in the UBE3A gene (p.Ser830*). While this is not anticipated to result in nonsense mediated decay, it is expected to disrupt the last 23 amino acids of the UBE3A protein.

Baylor Genetics
Classification: Pathogenic for Angelman Syndrome. Last evaluated: 2014-02-14. Review status: no assertion criteria provided. Collection method: clinical testing. Allele origin: germline. Affected: yes. Observed: 1 variant allele. Study: UBE3A Mutation Study. Not counted in ClinVar's aggregate classification.
Comment: Data collected from clinical UBE3A sequence analysis results

Literature cited by the submitters: PubMed 9887341 (cited by Labcorp Genetics (formerly Invitae), Labcorp); PubMed 11748306 (cited by Labcorp Genetics (formerly Invitae), Labcorp); PubMed 26993267 (cited by Labcorp Genetics (formerly Invitae), Labcorp); PubMed 24796722 (cited by Labcorp Genetics (formerly Invitae), Labcorp); PubMed 25212744 (cited by Labcorp Genetics (formerly Invitae), Labcorp and Baylor Genetics).